The following is an entry in ClinVar:

NM_001267550.2(TTN):c.104531C>T (p.Ser34844Phe)

Genes: TTN (titin; minus strand), TTN-AS1 (TTN antisense RNA 1; plus strand). Cytogenetic location: 2q31.2.
Variant type: single nucleotide variant.
Coding change: c.104531C>T on transcript NM_001267550.2 (MANE Select); coding-DNA position 104531, C replaced by T.
Protein change: p.Ser34844Phe; replaces serine 34844 with phenylalanine.
Molecular consequence: missense variant.
Genome position (GRCh38, 1-based): chr2:178,532,084, G>A on the plus strand (C>T on the coding strand, the complement: TTN is on the minus strand). VCF-style: chr2-178532084-G-A. GRCh37 (hg19) VCF-style: chr2-179396811-G-A.
Other names: c.99608C>T, p.Ser33203Phe (NM_001256850.1); c.77336C>T, p.Ser25779Phe (NM_003319.4); c.96827C>T, p.Ser32276Phe (NM_133378.4); c.77711C>T, p.Ser25904Phe (NM_133432.3); c.77912C>T, p.Ser25971Phe (NM_133437.4); short protein forms S25779F, S25904F, S33203F, S34844F, S25971F, S32276F.
Identifiers: ClinVar variation 2939853 (VCV002939853.2), dbSNP rs753077114, ClinGen allele CA1985409.

ClinVar aggregate classification (germline): Uncertain significance. Review status: criteria provided, multiple submitters, no conflicts (2 of 4 stars). 2 submissions from 2 submitters: Uncertain significance (2). Last evaluated 2026-08-01.

Conditions:
Dilated cardiomyopathy 1G (CMD1G). Identifiers: Orphanet 154, MedGen C1858763, MONDO:0011400, OMIM 604145.
Autosomal recessive limb-girdle muscular dystrophy type 2J (LGMDR10). Also called: MUSCULAR DYSTROPHY, LIMB-GIRDLE, AUTOSOMAL RECESSIVE 10; Limb-girdle muscular dystrophy, type 2J. Identifiers: Orphanet 140922, MedGen C1837342, MONDO:0012127, OMIM 608807.

Allele frequency attached by ClinVar (database versions not stated): ExAC 0.00001.
gnomAD v4.1: 3 of 1,613,944 alleles (0.00019%); highest among the groups gnomAD compares: South Asian, 0.0011%; no homozygotes.

Submissions (2):

CeGaT Center for Human Genetics Tuebingen
Classification: Uncertain significance. Last evaluated: 2026-08-01. Review status: criteria provided, single submitter. Criteria: CeGaT Center For Human Genetics Tuebingen Variant Classification Criteria Version 2. Collection method: clinical testing. Allele origin: germline. Affected: yes. Observed: 1 variant allele.
Comment: TTN: PM2

Labcorp Genetics (formerly Invitae), Labcorp
Classification: Uncertain significance for Dilated cardiomyopathy 1G; Autosomal recessive limb-girdle muscular dystrophy type 2J. Last evaluated: 2023-05-04. Review status: criteria provided, single submitter. Criteria: Invitae Variant Classification Sherloc (09022015). Collection method: clinical testing. Allele origin: germline.
Comment: In summary, the available evidence is currently insufficient to determine the role of this variant in disease. Therefore, it has been classified as a Variant of Uncertain Significance. This variant is located in the M band of TTN (PMID: 25589632). Variants in this region may be relevant for neuromuscular disorders, but have not been definitively shown to cause cardiomyopathy (PMID: 23975875). Experimental studies and prediction algorithms are not available or were not evaluated, and the functional significance of this variant is currently unknown. This variant has not been reported in the literature in individuals affected with TTN-related conditions. This variant is present in population databases (rs753077114, gnomAD 0.003%). This sequence change replaces serine, which is neutral and polar, with phenylalanine, which is neutral and non-polar, at codon 34844 of the TTN protein (p.Ser34844Phe).

Literature cited by the submitters: PubMed 25589632 (cited by Labcorp Genetics (formerly Invitae), Labcorp); PubMed 23975875 (cited by Labcorp Genetics (formerly Invitae), Labcorp).